The following is an entry in ClinVar:

NM_000059.4(BRCA2):c.8056del (p.Val2687fs)

Gene: BRCA2 (BRCA2 DNA repair associated; plus strand). Cytogenetic location: 13q13.1.
Variant type: Deletion.
Coding change: c.8056del on transcript NM_000059.4 (MANE Select); coding-DNA position 8056, one base deleted (C; older notation c.8056delC).
Protein change: p.Val2687fs; shifts the reading frame from valine 2687.
Molecular consequence: frameshift variant.
Genome position (GRCh38, 1-based): chr13:32,363,258, C deleted. VCF-style (leftmost placement, unchanged base first): chr13-32363257-AC-A. GRCh37 (hg19) VCF-style: chr13-32937394-AC-A.
Other names: 8284delC; short protein forms V2687fs.
Identifiers: ClinVar variation 267052 (VCV000267052.5), dbSNP rs886040743, ClinGen allele CA10589466.
Genomic context (GRCh38, chr13:32,363,257, plus strand): 5'-TAGAAGCAGAAGATCGGCTATAAAAAAGATAATGGAAAGGGATGACACAGCTGCAAAAAC[AC>A]TTGTTCTCTGTGTTTCTGACATAATTTCATTGAGCGCAAATATATCTGAAACTTCTAGCA-3'

ClinVar aggregate classification (germline): Pathogenic. Review status: reviewed by expert panel (3 of 4 stars). 2 submissions from 2 submitters: Pathogenic (1). 1 of the submissions does not count toward it. Last evaluated 2016-10-18.

Conditions:
Breast-ovarian cancer, familial, susceptibility to, 2 (BROVCA2). Also called: BRCA2 Hereditary Breast and Ovarian Cancer. Identifiers: Orphanet 145, MedGen C2675520, MONDO:0012933, OMIM 612555. Disease mechanism: loss of function.

Submissions (2):

Evidence-based Network for the Interpretation of Germline Mutant Alleles (ENIGMA)
Classification: Pathogenic for Breast-ovarian cancer, familial, susceptibility to, 2. Last evaluated: 2016-10-18. Review status: reviewed by expert panel. Criteria: ENIGMA BRCA1/2 Classification Criteria (2015). Collection method: curation. Allele origin: germline.
Comment: Variant allele predicted to encode a truncated non-functional protein.

Consortium of Investigators of Modifiers of BRCA1/2 (CIMBA), c/o University of Cambridge
Classification: Pathogenic for Breast-ovarian cancer, familial, susceptibility to, 2. Last evaluated: 2015-10-02. Review status: criteria provided, single submitter. Criteria: CIMBA Mutation Classification guidelines May 2016. Collection method: clinical testing. Allele origin: germline. Not counted in ClinVar's aggregate classification.